The following is an entry in ClinVar:

ClinVar aggregate classification (germline): Uncertain significance (1 of 4 stars; one submission).

Conditions:
Dystonic disorder. Also called: Dystonia. Identifiers: MedGen C0013421, MONDO:0003441, HP:0001332.

gnomAD v4.1: 1 of 1,614,172 alleles (0.000062%); highest among the groups gnomAD compares: Admixed American, 0.0017%; no homozygotes.

Submission:

Labcorp Genetics (formerly Invitae), Labcorp
Classification: Uncertain significance for Dystonic disorder. Last evaluated: 2025-06-10. Review status: criteria provided, single submitter. Criteria: Invitae Variant Classification Sherloc (09022015). Collection method: clinical testing. Allele origin: germline.
Comment: This sequence change replaces alanine, which is neutral and non-polar, with glutamic acid, which is acidic and polar, at codon 791 of the ANO3 protein (p.Ala791Glu). The frequency data for this variant in the population databases is considered unreliable, as metrics indicate poor data quality at this position in the gnomAD database. This variant has not been reported in the literature in individuals affected with ANO3-related conditions. Invitae Evidence Modeling of protein sequence and biophysical properties (such as structural, functional, and spatial information, amino acid conservation, physicochemical variation, residue mobility, and thermodynamic stability) indicates that this missense variant is expected to disrupt ANO3 protein function with a positive predictive value of 95%. In summary, the available evidence is currently insufficient to determine the role of this variant in disease. Therefore, it has been classified as a Variant of Uncertain Significance.

NM_031418.4(ANO3):c.2372C>A (p.Ala791Glu)

Gene: ANO3 (anoctamin 3; plus strand). Cytogenetic location: 11p14.2.
Variant type: single nucleotide variant.
Coding change: c.2372C>A on transcript NM_031418.4 (MANE Select); coding-DNA position 2372, C replaced by A.
Protein change: p.Ala791Glu; replaces alanine 791 with glutamic acid.
Molecular consequence: missense variant.
Genome position (GRCh38, 1-based): chr11:26,643,278, C>A. VCF-style: chr11-26643278-C-A. GRCh37 (hg19) VCF-style: chr11-26664825-C-A.
Other names: c.2555C>A, p.Ala852Glu (NM_001313726.2); c.1934C>A, p.Ala645Glu (NM_001313727.2); short protein forms A791E, A645E, A852E.
Identifiers: ClinVar variation 4709727 (VCV004709727.1).